The following is an entry in ClinVar:

NM_005548.3(KARS1):c.749T>C (p.Ile250Thr)

Gene: KARS1 (lysyl-tRNA synthetase 1; minus strand). Cytogenetic location: 16q23.1.
Variant type: single nucleotide variant.
Coding change: c.749T>C on transcript NM_005548.3 (MANE Select); coding-DNA position 749, T replaced by C.
Protein change: p.Ile250Thr; replaces isoleucine 250 with threonine.
Molecular consequence: missense variant.
Genome position (GRCh38, 1-based): chr16:75,635,726, A>G on the plus strand (T>C on the coding strand, the complement: KARS1 is on the minus strand). VCF-style: chr16-75635726-A-G. GRCh37 (hg19) VCF-style: chr16-75669624-A-G.
Other names: c.833T>C, p.Ile278Thr (NM_001130089.2); c.281T>C, p.Ile94Thr (NM_001378148.1); short protein forms I250T, I278T, I94T.
Identifiers: ClinVar variation 3392763 (VCV003392763.1).
Genomic context (GRCh38, chr16:75,635,726, plus strand): 5'-GGAACTCTCCTTACCTCTAGGAATCCCAGCTCATCTAAGAAACTTCTTATATATGTGATG[A>G]TCTTAGAGCGGATGATAAATTTCTGCCTCACAAAGTCATTCAGGATCAAGTCCAAGTATC-3'
Protein context (NP_005539.1, residues 240-260): VRQKFIIRSK[Ile250Thr]ITYIRSFLDE

ClinVar aggregate classification (germline): Uncertain significance (1 of 4 stars; one submission).

gnomAD v4.1: 1 of 1,614,188 alleles (0.000062%); highest among the groups gnomAD compares: Admixed American, 0.0017%; no homozygotes.

Submission:

GeneDx
Classification: Uncertain significance. Last evaluated: 2024-06-26. Review status: criteria provided, single submitter. Criteria: GeneDx Variant Classification Process June 2021. Collection method: clinical testing. Allele origin: germline. Affected: yes.
Comment: Not observed at significant frequency in large population cohorts (gnomAD); In silico analysis supports that this missense variant has a deleterious effect on protein structure/function; Has not been previously published as pathogenic or benign to our knowledge